The following is an entry in ClinVar:

ClinVar aggregate classification (germline): Uncertain significance. Review status: criteria provided, multiple submitters, no conflicts (2 of 4 stars). 2 submissions from 2 submitters: Uncertain significance (2). Last evaluated 2025-11-25.

Conditions:
Hypertrophic cardiomyopathy. Also called: HYPERTROPHIC MYOCARDIOPATHY. Identifiers: Orphanet 217569, MedGen C0007194, MeSH D002312, MONDO:0005045, HP:0001639.

Allele frequency attached by ClinVar (database versions not stated): gnomAD exomes below 0.00001 and 0.00001; gnomAD 0.00001; TOPMed 0.00002.
gnomAD v4.1: 17 of 1,582,792 alleles (0.0011%); highest among the groups gnomAD compares: South Asian, 0.0035%; no homozygotes.

Submissions (2):

Labcorp Genetics (formerly Invitae), Labcorp
Classification: Uncertain significance for Hypertrophic cardiomyopathy. Last evaluated: 2025-11-25. Review status: criteria provided, single submitter. Criteria: Invitae Variant Classification Sherloc (09022015). Collection method: clinical testing. Allele origin: germline.
Comment: This sequence change replaces leucine, which is neutral and non-polar, with valine, which is neutral and non-polar, at codon 1451 of the MYOM1 protein (p.Leu1451Val). This variant is present in population databases (no rsID available, gnomAD 0.001%). This variant has not been reported in the literature in individuals affected with MYOM1-related conditions. ClinVar contains an entry for this variant (Variation ID: 229023). Invitae Evidence Modeling of protein sequence and biophysical properties (such as structural, functional, and spatial information, amino acid conservation, physicochemical variation, residue mobility, and thermodynamic stability) indicates that this missense variant is not expected to disrupt MYOM1 protein function with a negative predictive value of 80%. In summary, the available evidence is currently insufficient to determine the role of this variant in disease. Therefore, it has been classified as a Variant of Uncertain Significance.

Laboratory for Molecular Medicine, Mass General Brigham Personalized Medicine
Classification: Uncertain significance. Last evaluated: 2015-06-22. Review status: criteria provided, single submitter. Criteria: LMM Criteria. Collection method: clinical testing. Allele origin: germline. Observed: 1 variant allele.
Comment: The p.Leu1451Val variant in MYOM1 has not been previously reported in individual s with cardiomyopathy or in large population studies. Computational prediction t ools and conservation analysis do not provide strong support for or against an i mpact to the protein. In summary, the clinical significance of the p.Leu1451Val variant is uncertain.

NM_003803.4(MYOM1):c.4351C>G (p.Leu1451Val)

Gene: MYOM1 (myomesin 1; minus strand). Cytogenetic location: 18p11.31.
Variant type: single nucleotide variant.
Coding change: c.4351C>G on transcript NM_003803.4 (MANE Select); coding-DNA position 4351, C replaced by G.
Protein change: p.Leu1451Val; replaces leucine 1451 with valine.
Molecular consequence: missense variant.
Genome position (GRCh38, 1-based): chr18:3,084,016, G>C on the plus strand (C>G on the coding strand, the complement: MYOM1 is on the minus strand). VCF-style: chr18-3084016-G-C. GRCh37 (hg19) VCF-style: chr18-3084014-G-C.
Other names: c.4063C>G, p.Leu1355Val (NM_019856.2); short protein forms L1451V, L1355V.
Identifiers: ClinVar variation 229023 (VCV000229023.13), dbSNP rs876657917, ClinGen allele CA10577045.
Genomic context (GRCh38, chr18:3,084,016, plus strand): 5'-AAGCATTGTTGTGGTGCGAAATGTTTGACTCACCTATTTTTTTGCATACTTCCATCATCA[G>C]TTCCTTAAAGGCTGTGGAGAGAGATTCAGAGCCAAAACTTTAGCATAAAAATTCTCAATG-3'
Protein context (NP_003794.3, residues 1441-1461): LKLVDEAFKE[Leu1451Val]MMEVCKKIAL